The following is an entry in ClinVar:

NM_000444.6(PHEX):c.830T>A (p.Leu277Ter)

Gene: PHEX (phosphate regulating endopeptidase X-linked; plus strand). Cytogenetic location: Xp22.11.
Variant type: single nucleotide variant.
Coding change: c.830T>A on transcript NM_000444.6 (MANE Select); coding-DNA position 830, T replaced by A.
Protein change: p.Leu277Ter; replaces leucine 277 with a stop codon.
Molecular consequence: nonsense.
Genome position (GRCh38, 1-based): chrX:22,094,080, T>A. VCF-style: chrX-22094080-T-A. GRCh37 (hg19) VCF-style: chrX-22112198-T-A.
Other names: L274*; c.830T>A, p.Leu277Ter (NM_001282754.2); short protein forms L277*.
Identifiers: ClinVar variation 10816 (VCV000010816.4), dbSNP rs137853268, ClinGen allele CA255557.

ClinVar aggregate classification (germline): Pathogenic. Review status: criteria provided, single submitter (1 of 4 stars). 2 submissions from 2 submitters: Pathogenic (1). 1 of the submissions does not count toward it. Last evaluated 2024-09-01.

Conditions:
Familial X-linked hypophosphatemic vitamin D refractory rickets (XLHRD). Also called: X-Linked Hypophosphatemia; HYPOPHOSPHATEMIC VITAMIN D-RESISTANT RICKETS; Hypophosphatemic Rickets, X-Linked Dominant; Hypophosphatemia, vitamin D-resistant rickets; Vitamin D-resistant rickets, X-linked. Identifiers: Orphanet 89936, MedGen C0733682, MONDO:0010619, OMIM 307800.

Submissions (2):

Labcorp Genetics (formerly Invitae), Labcorp
Classification: Pathogenic. Last evaluated: 2024-09-01. Review status: criteria provided, single submitter. Criteria: Invitae Variant Classification Sherloc (09022015). Collection method: clinical testing. Allele origin: germline.
Comment: This sequence change creates a premature translational stop signal (p.Leu277*) in the PHEX gene. It is expected to result in an absent or disrupted protein product. Loss-of-function variants in PHEX are known to be pathogenic (PMID: 9097956, 9106524, 19219621). This variant is not present in population databases (gnomAD no frequency). This premature translational stop signal has been observed in individual(s) with hypophosphatemic rickets (PMID: 9106524). This variant is also known as c.823T>A, p.Leu274stop. ClinVar contains an entry for this variant (Variation ID: 10816). For these reasons, this variant has been classified as Pathogenic.

OMIM
Classification: Pathogenic for HYPOPHOSPHATEMIC RICKETS, X-LINKED DOMINANT. Last evaluated: 1997-04-01. Review status: no assertion criteria provided. Collection method: literature only. Allele origin: germline. Not counted in ClinVar's aggregate classification.

Literature cited by the submitters: PubMed 9097956 (cited by Labcorp Genetics (formerly Invitae), Labcorp); PubMed 9106524 (cited by Labcorp Genetics (formerly Invitae), Labcorp and OMIM); PubMed 19219621 (cited by Labcorp Genetics (formerly Invitae), Labcorp); PubMed 7550339 (cited by OMIM).